The following is an entry in ClinVar:

ClinVar aggregate classification (germline): Uncertain significance (1 of 4 stars; one submission).

Conditions:
Joubert syndrome 25 (JBTS25). Identifiers: Orphanet 475, MedGen C4084842, MONDO:0014770, OMIM 616781.

Allele frequency attached by ClinVar (database versions not stated): gnomAD exomes below 0.00001; gnomAD 0.00001.

Submission:

Labcorp Genetics (formerly Invitae), Labcorp
Classification: Uncertain significance for Joubert syndrome 25. Last evaluated: 2024-02-24. Review status: criteria provided, single submitter. Criteria: Invitae Variant Classification Sherloc (09022015). Collection method: clinical testing. Allele origin: germline.
Comment: This sequence change replaces valine, which is neutral and non-polar, with leucine, which is neutral and non-polar, at codon 8 of the CEP104 protein (p.Val8Leu). This variant is present in population databases (no rsID available, gnomAD 0.01%). This variant has not been reported in the literature in individuals affected with CEP104-related conditions. ClinVar contains an entry for this variant (Variation ID: 949657). An algorithm developed to predict the effect of missense changes on protein structure and function (PolyPhen-2) suggests that this variant is likely to be tolerated. In summary, the available evidence is currently insufficient to determine the role of this variant in disease. Therefore, it has been classified as a Variant of Uncertain Significance.

NM_014704.4(CEP104):c.22G>T (p.Val8Leu)

Gene: CEP104 (centrosomal protein 104; minus strand). Cytogenetic location: 1p36.32.
Variant type: single nucleotide variant.
Coding change: c.22G>T on transcript NM_014704.4 (MANE Select); coding-DNA position 22, G replaced by T.
Protein change: p.Val8Leu; replaces valine 8 with leucine.
Molecular consequence: missense variant.
Genome position (GRCh38, 1-based): chr1:3,852,386, C>A on the plus strand (G>T on the coding strand, the complement: CEP104 is on the minus strand). VCF-style: chr1-3852386-C-A. GRCh37 (hg19) VCF-style: chr1-3768950-C-A.
Other names: short protein forms V8L.
Identifiers: ClinVar variation 949657 (VCV000949657.9), dbSNP rs1195974342, ClinGen allele CA338050850.